The following is an entry in ClinVar:

NM_022455.5(NSD1):c.1236+10G>A

Gene: NSD1 (nuclear receptor binding SET domain protein 1; plus strand). Cytogenetic location: 5q35.3.
Variant type: single nucleotide variant.
Coding change: c.1236+10G>A on transcript NM_022455.5 (MANE Select); 10 bases into the intron after coding-DNA position 1236, G replaced by A.
Molecular consequence: intron variant.
Genome position (GRCh38, 1-based): chr5:177,204,302, G>A. VCF-style: chr5-177204302-G-A. GRCh37 (hg19) VCF-style: chr5-176631303-G-A.
Other names: c.1236+10G>A (NM_001409301.1, NM_001409302.1, NM_001409303.1 and 1 more transcripts); c.816+10G>A (NM_001409304.1); c.483+10G>A (NM_001409305.1); c.363+10G>A (NM_001409306.1, NM_001409308.1, NM_001409307.1 and 3 more transcripts).
Identifiers: ClinVar variation 3671458 (VCV003671458.3).

ClinVar aggregate classification (germline): Likely benign. Review status: criteria provided, multiple submitters, no conflicts (2 of 4 stars). 2 submissions from 2 submitters: Likely benign (2). Last evaluated 2025-12-11.

Conditions:
NSD1-related disorder. Also called: NSD1-related condition.

gnomAD v4.1: 10 of 1,611,824 alleles (0.00062%); highest among the groups gnomAD compares: African/African-American, 0.004%; no homozygotes.

Submissions (2):

PreventionGenetics, part of Exact Sciences
Classification: Likely benign for NSD1-related condition. Last evaluated: 2025-12-11. Review status: criteria provided, single submitter. Criteria: ACMG Guidelines, 2015. Collection method: clinical testing. Allele origin: germline.
Comment: This variant is classified as likely benign based on ACMG/AMP sequence variant interpretation guidelines (Richards et al. 2015 PMID: 25741868, with internal and published modifications).

Labcorp Genetics (formerly Invitae), Labcorp
Classification: Likely benign. Last evaluated: 2023-08-04. Review status: criteria provided, single submitter. Criteria: Invitae Variant Classification Sherloc (09022015). Collection method: clinical testing. Allele origin: germline.